The following is an entry in ClinVar:

ClinVar aggregate classification (germline): Uncertain significance. Review status: criteria provided, multiple submitters, no conflicts (2 of 4 stars). 2 submissions from 2 submitters: Uncertain significance (2). Last evaluated 2022-08-03.

Conditions:
Early Myoclonic Encephalopathy. Identifiers: MedGen C0270855.

Allele frequency attached by ClinVar (database versions not stated): ExAC 0.00001; gnomAD 0.00001; gnomAD exomes 0.00001; TOPMed 0.00003.
gnomAD v4.1: 13 of 1,609,512 alleles (0.00081%); highest among the groups gnomAD compares: Middle Eastern, 0.016%; no homozygotes.

Submissions (2):

Ambry Genetics
Classification: Uncertain significance. Last evaluated: 2022-08-03. Review status: criteria provided, single submitter. Criteria: Ambry Variant Classification Scheme 2023. Collection method: clinical testing. Allele origin: germline.

Labcorp Genetics (formerly Invitae), Labcorp
Classification: Uncertain significance for Early Myoclonic Encephalopathy. Last evaluated: 2022-02-11. Review status: criteria provided, single submitter. Criteria: Invitae Variant Classification Sherloc (09022015). Collection method: clinical testing. Allele origin: germline.
Comment: This variant is present in population databases (rs764821897, gnomAD 0.0009%). This sequence change replaces asparagine, which is neutral and polar, with serine, which is neutral and polar, at codon 271 of the JMJD1C protein (p.Asn271Ser). This variant has not been reported in the literature in individuals affected with JMJD1C-related conditions. Algorithms developed to predict the effect of missense changes on protein structure and function output the following: SIFT: "Tolerated"; PolyPhen-2: "Benign"; Align-GVGD: "Class C0". The serine amino acid residue is found in multiple mammalian species, which suggests that this missense change does not adversely affect protein function. In summary, the available evidence is currently insufficient to determine the role of this variant in disease. Therefore, it has been classified as a Variant of Uncertain Significance.

NM_032776.3(JMJD1C):c.812A>G (p.Asn271Ser)

Gene: JMJD1C (jumonji domain containing 1C; minus strand). Cytogenetic location: 10q21.3.
Variant type: single nucleotide variant.
Coding change: c.812A>G on transcript NM_032776.3 (MANE Select); coding-DNA position 812, A replaced by G.
Protein change: p.Asn271Ser; replaces asparagine 271 with serine.
Molecular consequence: missense variant. On other transcripts: 5 prime UTR variant (1), non-coding transcript variant (1).
Genome position (GRCh38, 1-based): chr10:63,215,563, T>C on the plus strand (A>G on the coding strand, the complement: JMJD1C is on the minus strand). VCF-style: chr10-63215563-T-C. GRCh37 (hg19) VCF-style: chr10-64975323-T-C.
Other names: c.266A>G, p.Asn89Ser (NM_001282948.2, NM_001318154.2); c.-57A>G (NM_001318153.2); c.698A>G, p.Asn233Ser (NM_001322252.2); c.155A>G, p.Asn52Ser (NM_001322254.2, NM_001322258.2); c.812A>G (NM_032776.1); short protein forms N52S, N89S, N233S, N271S.
Identifiers: ClinVar variation 2186175 (VCV002186175.5), dbSNP rs764821897, ClinGen allele CA5518952.